The following is an entry in ClinVar:

ClinVar aggregate classification (germline): Likely benign. Review status: criteria provided, single submitter (1 of 4 stars). 3 submissions from 3 submitters: Likely benign (1). 2 of the submissions do not count toward it. Last evaluated 2025-12-08.

Conditions:
SLC25A13-related disorder. Also called: SLC25A13-related condition.
Citrullinemia. Identifiers: Orphanet 187, MedGen C0175683, MONDO:0015991.
Citrin deficiency. Identifiers: Orphanet 247582, MedGen C1997910, MONDO:0016602.

Allele frequency attached by ClinVar (database versions not stated): TOPMed below 0.00001; gnomAD exomes 0.00002 and 0.00006; ExAC 0.00005.

Submissions (3):

Labcorp Genetics (formerly Invitae), Labcorp
Classification: Likely benign for Citrin deficiency. Last evaluated: 2025-12-08. Review status: criteria provided, single submitter. Criteria: Invitae Variant Classification Sherloc (09022015). Collection method: clinical testing. Allele origin: germline.

PreventionGenetics, part of Exact Sciences
Classification: Likely benign for SLC25A13-related condition. Last evaluated: 2023-04-28. Review status: no assertion criteria provided. Collection method: clinical testing. Allele origin: germline. Not counted in ClinVar's aggregate classification.
Comment: This variant is classified as likely benign based on ACMG/AMP sequence variant interpretation guidelines (Richards et al. 2015 PMID: 25741868, with internal and published modifications).

Natera, Inc.
Classification: Likely benign for Citrullinemia. Last evaluated: 2020-01-19. Review status: no assertion criteria provided. Collection method: clinical testing. Allele origin: germline. Not counted in ClinVar's aggregate classification.

NM_014251.3(SLC25A13):c.1751-4_1751-3insT

Gene: SLC25A13 (solute carrier family 25 member 13; minus strand). Cytogenetic location: 7q21.3.
Variant type: Insertion.
Coding change: c.1751-4_1751-3insT on transcript NM_014251.3 (MANE Select); 4 bases into the intron before coding-DNA position 1751 through 3 bases into the intron before coding-DNA position 1751, T inserted.
Molecular consequence: intron variant.
Genome position: GRCh38 VCF-style: chr7-96121748-T-TA. GRCh37 (hg19) VCF-style: chr7-95751060-T-TA.
Other names: c.1754-4_1754-3insT (NM_001160210.2).
Identifiers: ClinVar variation 760633 (VCV000760633.14), dbSNP rs765170811, ClinGen allele CA4352790.